The following is an entry in ClinVar:

NM_022114.4(PRDM16):c.3110-4G>A

Gene: PRDM16 (PR/SET domain 16; plus strand). Cytogenetic location: 1p36.32.
Variant type: single nucleotide variant.
Coding change: c.3110-4G>A on transcript NM_022114.4 (MANE Select); 4 bases into the intron before coding-DNA position 3110, G replaced by A.
Molecular consequence: intron variant.
Genome position (GRCh38, 1-based): chr1:3,426,047, G>A. VCF-style: chr1-3426047-G-A. GRCh37 (hg19) VCF-style: chr1-3342611-G-A.
Other names: c.3110-4G>A (NM_199454.3).
Identifiers: ClinVar variation 227869 (VCV000227869.23), dbSNP rs201495178, ClinGen allele CA544742.
Genomic context (GRCh38, chr1:3,426,047, plus strand): 5'-GTTTGCCCCACGGAGGGAGGGGTCCAGCGAGAGGCCGCCCCCTGATGCTCCCGCCCCTCC[G>A]CAGTGAGCCAGCACCCCGGGGTCCTCACGAACCACCTGGGGACCAGCGCGTCCTCTCCCA-3'

ClinVar aggregate classification (germline): Benign/Likely benign. Review status: criteria provided, multiple submitters, no conflicts (2 of 4 stars). 8 submissions from 8 submitters: Benign (1); Likely benign (4). 3 of the submissions do not count toward it. Last evaluated 2025-12-01.

Conditions:
Left ventricular noncompaction 8 (LVNC8). Identifiers: Orphanet 154, Orphanet 54260, MedGen C3809288, MONDO:0014152, OMIM 615373.

Allele frequency attached by ClinVar (database versions not stated): 1000 Genomes Project 30x 0.00016; 1000 Genomes Project 0.00020; TOPMed 0.00040; gnomAD 0.00042 and 0.00046; ESP Exome Variant Server 0.00058.
gnomAD v4.1: 513 of 1,610,938 alleles (0.032%); highest among the groups gnomAD compares: Admixed American, 0.039%; 1 homozygote.

Submissions (8):

Labcorp Genetics (formerly Invitae), Labcorp
Classification: Likely benign for Left ventricular noncompaction 8. Last evaluated: 2025-12-01. Review status: criteria provided, single submitter. Criteria: Invitae Variant Classification Sherloc (09022015). Collection method: clinical testing. Allele origin: germline.

Women's Health and Genetics/Laboratory Corporation of America, LabCorp
Classification: Benign. Last evaluated: 2025-09-29. Review status: criteria provided, single submitter. Criteria: LabCorp Variant Classification Summary - May 2015. Collection method: clinical testing. Allele origin: germline.

Blueprint Genetics
Classification: Likely benign. Last evaluated: 2024-11-05. Review status: criteria provided, single submitter. Criteria: ACMG Guidelines, 2015. Collection method: clinical testing. Allele origin: germline.

GeneDx
Classification: Likely benign. Last evaluated: 2017-04-26. Review status: criteria provided, single submitter. Criteria: GeneDx Variant Classification (06012015). Collection method: clinical testing. Allele origin: germline. Affected: yes.
Comment: This variant is considered likely benign or benign based on one or more of the following criteria: it is a conservative change, it occurs at a poorly conserved position in the protein, it is predicted to be benign by multiple in silico algorithms, and/or has population frequency not consistent with disease.

Laboratory for Molecular Medicine, Mass General Brigham Personalized Medicine
Classification: Likely benign. Last evaluated: 2015-04-16. Review status: criteria provided, single submitter. Criteria: LMM Criteria. Collection method: clinical testing. Allele origin: germline. Observed: 1 variant allele.
Comment: c.3110-4G>A in intron 13 of PRDM16: This variant is not expected to have clinica l significance because it is not located within the conserved splice consensus s equence. It has been identified in 0.1% (52/64314) of European chromosomes by th e Exome Aggregation Consortium (ExAC; dbSNP rs20 1495178).

Clinical Genetics DNA and cytogenetics Diagnostics Lab, Erasmus MC, Erasmus Medical Center
Classification: Likely benign. Review status: no assertion criteria provided. Collection method: clinical testing. Allele origin: germline. Affected: yes. Study: VKGL Data-share Consensus. Not counted in ClinVar's aggregate classification.

Clinical Genetics, Academic Medical Center
Classification: Benign. Review status: no assertion criteria provided. Collection method: clinical testing. Allele origin: germline. Affected: yes. Study: VKGL Data-share Consensus. Not counted in ClinVar's aggregate classification.

Joint Genome Diagnostic Labs from Nijmegen and Maastricht, Radboudumc and MUMC+
Classification: Likely benign. Review status: no assertion criteria provided. Collection method: clinical testing. Allele origin: germline. Affected: yes. Study: VKGL Data-share Consensus. Not counted in ClinVar's aggregate classification.